The following is an entry in ClinVar:

NM_002778.4(PSAP):c.1546G>A (p.Glu516Lys)

Gene: PSAP (prosaposin; minus strand). Cytogenetic location: 10q22.1.
Variant type: single nucleotide variant.
Coding change: c.1546G>A on transcript NM_002778.4 (MANE Select); coding-DNA position 1546, G replaced by A.
Protein change: p.Glu516Lys; replaces glutamic acid 516 with lysine.
Molecular consequence: missense variant.
Genome position (GRCh38, 1-based): chr10:71,817,470, C>T on the plus strand (G>A on the coding strand, the complement: PSAP is on the minus strand). VCF-style: chr10-71817470-C-T. GRCh37 (hg19) VCF-style: chr10-73577227-C-T.
Other names: c.1555G>A, p.Glu519Lys (NM_001042465.3); c.1552G>A, p.Glu518Lys (NM_001042466.3); short protein forms E516K, E518K, E519K.
Identifiers: ClinVar variation 1723499 (VCV001723499.4), dbSNP rs563727360, ClinGen allele CA5547297.

ClinVar aggregate classification (germline): Uncertain significance. Review status: criteria provided, multiple submitters, no conflicts (2 of 4 stars). 3 submissions from 3 submitters: Uncertain significance (3). Last evaluated 2025-08-07.

Conditions:
Inborn genetic diseases. Identifiers: MedGen C0950123, MeSH D030342.
Sphingolipid activator protein 1 deficiency. Also called: Saposin B Deficiency; METACHROMATIC LEUKODYSTROPHY DUE TO CEREBROSIDE SULFATASE ACTIVATOR DEFICIENCY; Metachromatic leukodystrophy due to saposin B deficiency. Identifiers: Orphanet 512, MedGen C0268262, MONDO:0009590, OMIM 249900.

Allele frequency attached by ClinVar (database versions not stated): TOPMed below 0.00001; ExAC 0.00001; gnomAD 0.00001; 1000 Genomes Project 30x 0.00016; 1000 Genomes Project 0.00020.
gnomAD v4.1: 12 of 1,614,120 alleles (0.00074%); highest among the groups gnomAD compares: Admixed American, 0.0067%; no homozygotes.

Submissions (3):

Ambry Genetics
Classification: Uncertain significance for Inborn genetic diseases. Last evaluated: 2025-08-07. Review status: criteria provided, single submitter. Criteria: Ambry Variant Classification Scheme 2023. Collection method: clinical testing. Allele origin: germline.

Labcorp Genetics (formerly Invitae), Labcorp
Classification: Uncertain significance for Sphingolipid activator protein 1 deficiency. Last evaluated: 2023-12-21. Review status: criteria provided, single submitter. Criteria: Invitae Variant Classification Sherloc (09022015). Collection method: clinical testing. Allele origin: germline.
Comment: This sequence change replaces glutamic acid, which is acidic and polar, with lysine, which is basic and polar, at codon 516 of the PSAP protein (p.Glu516Lys). This variant is present in population databases (rs563727360, gnomAD 0.009%). This variant has not been reported in the literature in individuals affected with PSAP-related conditions. ClinVar contains an entry for this variant (Variation ID: 1723499). Advanced modeling of protein sequence and biophysical properties (such as structural, functional, and spatial information, amino acid conservation, physicochemical variation, residue mobility, and thermodynamic stability) performed at Invitae indicates that this missense variant is expected to disrupt PSAP protein function with a positive predictive value of 80%. In summary, the available evidence is currently insufficient to determine the role of this variant in disease. Therefore, it has been classified as a Variant of Uncertain Significance.

GeneDx
Classification: Uncertain significance. Last evaluated: 2022-11-30. Review status: criteria provided, single submitter. Criteria: GeneDx Variant Classification Process June 2021. Collection method: clinical testing. Allele origin: germline. Affected: yes.
Comment: Not observed at significant frequency in large population cohorts (gnomAD); In silico analysis supports that this missense variant has a deleterious effect on protein structure/function; Has not been previously published as pathogenic or benign to our knowledge